The following is an entry in ClinVar:

ClinVar aggregate classification (germline): Uncertain significance (1 of 4 stars; one submission).

Conditions:
Immunodeficiency, common variable, 4. Also called: ANTIBODY DEFICIENCY DUE TO BAFFR DEFECT. Identifiers: Orphanet 1572, Orphanet 696925, MedGen C3150739, MONDO:0013284, OMIM 613494.

Allele frequency attached by ClinVar (database versions not stated): gnomAD 0.00001; TOPMed 0.00001.
gnomAD v4.1: 1 of 1,613,174 alleles (0.000062%); highest among the groups gnomAD compares: African/African-American, 0.0013%; no homozygotes.

Submission:

Labcorp Genetics (formerly Invitae), Labcorp
Classification: Uncertain significance for Immunodeficiency, common variable, 4. Last evaluated: 2022-02-04. Review status: criteria provided, single submitter. Criteria: Invitae Variant Classification Sherloc (09022015). Collection method: clinical testing. Allele origin: germline.
Comment: In summary, the available evidence is currently insufficient to determine the role of this variant in disease. Therefore, it has been classified as a Variant of Uncertain Significance. Algorithms developed to predict the effect of missense changes on protein structure and function output the following: SIFT: "Deleterious"; PolyPhen-2: "Benign"; Align-GVGD: "Class C0". The threonine amino acid residue is found in multiple mammalian species, which suggests that this missense change does not adversely affect protein function. This variant has not been reported in the literature in individuals affected with TNFRSF13C-related conditions. This variant is present in population databases (no rsID available, gnomAD 0.01%). This sequence change replaces isoleucine, which is neutral and non-polar, with threonine, which is neutral and polar, at codon 131 of the TNFRSF13C protein (p.Ile131Thr).

NM_052945.4(TNFRSF13C):c.392T>C (p.Ile131Thr)

Gene: TNFRSF13C (TNF receptor superfamily member 13C; minus strand). Cytogenetic location: 22q13.2.
Variant type: single nucleotide variant.
Coding change: c.392T>C on transcript NM_052945.4 (MANE Select); coding-DNA position 392, T replaced by C.
Protein change: p.Ile131Thr; replaces isoleucine 131 with threonine.
Molecular consequence: missense variant.
Genome position (GRCh38, 1-based): chr22:41,925,530, A>G on the plus strand (T>C on the coding strand, the complement: TNFRSF13C is on the minus strand). VCF-style: chr22-41925530-A-G. GRCh37 (hg19) VCF-style: chr22-42321534-A-G.
Other names: short protein forms I131T.
Identifiers: ClinVar variation 1500223 (VCV001500223.8), dbSNP rs1013387691, ClinGen allele CA324633335.